The following is an entry in ClinVar:

ClinVar aggregate classification (germline): Uncertain significance. Review status: criteria provided, multiple submitters, no conflicts (2 of 4 stars). 5 submissions from 5 submitters: Uncertain significance (4). 1 of the submissions does not count toward it. Last evaluated 2025-09-01.

Conditions:
TTC21B-related disorder. Also called: TTC21B-related condition; TTC21B-related disorders.
Nephronophthisis. Also called: Juvenile Nephronophthisis. Identifiers: Orphanet 655, MedGen C0687120, MONDO:0019005, HP:0000090.
Jeune thoracic dystrophy. Also called: Short-rib thoracic dysplasia; Jeune syndrome; Infantile thoracic dystrophy; Thoracic pelvic phalangeal dystrophy; Jeune's syndrome; Chondroectodermal dysplasia-like syndrome. Identifiers: Orphanet 474, MedGen C0265275, MONDO:0018770.
Nephronophthisis 12 (NPHP12). Identifiers: Orphanet 655, MedGen C3151186, MONDO:0013442, OMIM 613820.
Asphyxiating thoracic dystrophy 4 (SRTD4). Also called: SHORT-RIB THORACIC DYSPLASIA 4 WITH OR WITHOUT POLYDACTYLY; SHORT-RIB THORACIC DYSPLASIA 4. Identifiers: Orphanet 474, MedGen C3151185, MONDO:0013441, OMIM 613819.

Allele frequency attached by ClinVar (database versions not stated): ExAC 0.00007; gnomAD exomes 0.00008; TOPMed 0.00013; gnomAD 0.00014; ESP Exome Variant Server 0.00015.
gnomAD v4.1: 218 of 1,612,852 alleles (0.014%); highest among the groups gnomAD compares: Non-Finnish European, 0.018%; no homozygotes.

Submissions (5):

CeGaT Center for Human Genetics Tuebingen
Classification: Uncertain significance. Last evaluated: 2025-09-01. Review status: criteria provided, single submitter. Criteria: CeGaT Center For Human Genetics Tuebingen Variant Classification Criteria Version 2. Collection method: clinical testing. Allele origin: germline. Affected: yes. Observed: 1 variant allele.
Comment: TTC21B: PM2, BP4

Labcorp Genetics (formerly Invitae), Labcorp
Classification: Uncertain significance for Jeune thoracic dystrophy; Nephronophthisis. Last evaluated: 2022-09-06. Review status: criteria provided, single submitter. Criteria: Invitae Variant Classification Sherloc (09022015). Collection method: clinical testing. Allele origin: germline.
Comment: This sequence change replaces alanine, which is neutral and non-polar, with aspartic acid, which is acidic and polar, at codon 91 of the TTC21B protein (p.Ala91Asp). This variant is present in population databases (rs371376632, gnomAD 0.01%). This variant has not been reported in the literature in individuals affected with TTC21B-related conditions. ClinVar contains an entry for this variant (Variation ID: 411950). Algorithms developed to predict the effect of missense changes on protein structure and function are either unavailable or do not agree on the potential impact of this missense change (SIFT: "Deleterious"; PolyPhen-2: "Possibly Damaging"; Align-GVGD: "Class C0"). In summary, the available evidence is currently insufficient to determine the role of this variant in disease. Therefore, it has been classified as a Variant of Uncertain Significance.

Blueprint Genetics
Classification: Uncertain significance. Last evaluated: 2022-05-31. Review status: criteria provided, single submitter. Criteria: ACMG Guidelines, 2015. Collection method: clinical testing. Allele origin: germline.

Fulgent Genetics
Classification: Uncertain significance for Asphyxiating thoracic dystrophy 4; Nephronophthisis 12. Last evaluated: 2022-02-19. Review status: criteria provided, single submitter. Criteria: ACMG Guidelines, 2015. Collection method: clinical testing. Allele origin: unknown.

PreventionGenetics, part of Exact Sciences
Classification: Uncertain significance for TTC21B-related condition. Last evaluated: 2024-09-16. Review status: no assertion criteria provided. Collection method: clinical testing. Allele origin: germline. Not counted in ClinVar's aggregate classification.
Comment: The TTC21B c.272C>A variant is predicted to result in the amino acid substitution p.Ala91Asp. To our knowledge, this variant has not been reported in the literature. This variant is reported in 0.014% of alleles in individuals of European (Non-Finnish) descent in gnomAD. At this time, the clinical significance of this variant is uncertain due to the absence of conclusive functional and genetic evidence.

NM_024753.5(TTC21B):c.272C>A (p.Ala91Asp)

Genes: TTC21B-AS1 (TTC21B antisense RNA 1; plus strand), TTC21B (tetratricopeptide repeat domain 21B; minus strand). Cytogenetic location: 2q24.3.
Variant type: single nucleotide variant.
Coding change: c.272C>A on transcript NM_024753.5 (MANE Select); coding-DNA position 272, C replaced by A.
Protein change: p.Ala91Asp; replaces alanine 91 with aspartic acid.
Molecular consequence: missense variant.
Genome position (GRCh38, 1-based): chr2:165,945,681, G>T on the plus strand (C>A on the coding strand, the complement: TTC21B is on the minus strand). VCF-style: chr2-165945681-G-T. GRCh37 (hg19) VCF-style: chr2-166802191-G-T.
Other names: short protein forms A91D.
Identifiers: ClinVar variation 411950 (VCV000411950.15), dbSNP rs371376632, ClinGen allele CA1942488.
Genomic context (GRCh38, chr2:165,945,681, plus strand): 5'-AAGGCTTTCTCTCCAGCTCCTTTACGTTGTTCCTTCACTCTGGCATCTGATTCCAGAATA[G>T]CTTCTCTATCTGGTAGGGGAAAATGATATTAAATAAAAATTAAATTCTGGATCAGGTATT-3'
Protein context (NP_079029.3, residues 81-101): HKMSPNPDRE[Ala91Asp]ILESDARVKE